The following is an entry in ClinVar:

NM_000540.3(RYR1):c.8820C>A (p.Gly2940=)

Gene: RYR1 (ryanodine receptor 1; plus strand). Cytogenetic location: 19q13.2.
Variant type: single nucleotide variant.
Coding change: c.8820C>A on transcript NM_000540.3 (MANE Select); coding-DNA position 8820, C replaced by A.
Protein change: p.Gly2940=; no amino-acid change (glycine 2940 retained).
Molecular consequence: synonymous variant.
Genome position (GRCh38, 1-based): chr19:38,507,715, C>A. VCF-style: chr19-38507715-C-A. GRCh37 (hg19) VCF-style: chr19-38998355-C-A.
Other names: c.8820C>A, p.Gly2940= (NM_001042723.2).
Identifiers: ClinVar variation 2435578 (VCV002435578.8), dbSNP rs951057994, ClinGen allele CA308119781.

ClinVar aggregate classification (germline): Conflicting classifications of pathogenicity. Review status: criteria provided, conflicting classifications (1 of 4 stars). 4 submissions from 4 submitters: Uncertain significance (1); Likely benign (3). Last evaluated 2023-12-14.

Conditions:
Malignant hyperthermia, susceptibility to, 1 (MHS1). Also called: Anesthesia related hyperthermia; Malignant hyperpyrexia; Fulminating hyperpyrexia; Pharmacogenic myopathy; Malignant hyperthermia suceptibility 1; RYR1-Related Malignant Hyperthermia Susceptibility. Identifiers: Orphanet 423, MedGen C2930980, MONDO:0007783, OMIM 145600.
RYR1-related disorder. Also called: RYR1-related disorders; RYR1-related condition. Identifiers: MedGen CN239331.

Allele frequency attached by ClinVar (database versions not stated): gnomAD 0.00003; TOPMed 0.00003.
gnomAD v4.1: 11 of 1,598,786 alleles (0.00069%); highest among the groups gnomAD compares: African/African-American, 0.008%; no homozygotes.

Submissions (4):

Labcorp Genetics (formerly Invitae), Labcorp
Classification: Likely benign for RYR1-related disorder. Last evaluated: 2023-12-14. Review status: criteria provided, single submitter. Criteria: Invitae Variant Classification Sherloc (09022015). Collection method: clinical testing. Allele origin: germline.

All of Us Research Program, National Institutes of Health
Classification: Likely benign for Malignant hyperthermia, susceptibility to, 1. Last evaluated: 2023-10-02. Review status: criteria provided, single submitter. Criteria: ACMG Guidelines, 2015. Collection method: clinical testing. Allele origin: germline. Inheritance: Autosomal dominant inheritance. Observed: 1 variant allele, 1 heterozygote.
Comment: This study involves interpretation of variants in research participants for the purpose of population health screening. Participant phenotype was not available at the time of variant classification. Additional details can be found in publication PMID: 35346344, PMCID: PMC8962531

Color Diagnostics, LLC DBA Color Health
Classification: Likely benign for Malignant hyperthermia, susceptibility to, 1. Last evaluated: 2022-11-06. Review status: criteria provided, single submitter. Criteria: ACMG Guidelines, 2015. Collection method: clinical testing. Allele origin: germline.

Revvity Omics, Revvity
Classification: Uncertain significance. Last evaluated: 2022-06-20. Review status: criteria provided, single submitter. Criteria: ACMG Guidelines, 2015. Collection method: clinical testing. Allele origin: germline.